The following is an entry in ClinVar:

ClinVar aggregate classification (germline): Likely pathogenic (1 of 4 stars; one submission).

Submission:

Labcorp Genetics (formerly Invitae), Labcorp
Classification: Likely pathogenic. Last evaluated: 2023-09-25. Review status: criteria provided, single submitter. Criteria: Invitae Variant Classification Sherloc (09022015). Collection method: clinical testing. Allele origin: germline.
Comment: This variant results in the deletion of part of exon 3 (c.267-52_276del) of the LHX3 gene. It is expected to disrupt RNA splicing. Variants that disrupt the donor or acceptor splice site typically lead to a loss of protein function (PMID: 16199547), and loss-of-function variants in LHX3 are known to be pathogenic (PMID: 16394081, 18407919). This variant is not present in population databases (gnomAD no frequency). This variant has not been reported in the literature in individuals affected with LHX3-related conditions. In summary, the currently available evidence indicates that the variant is pathogenic, but additional data are needed to prove that conclusively. Therefore, this variant has been classified as Likely Pathogenic.

Literature cited by the submitters: PubMed 16199547; PubMed 16394081; PubMed 18407919.

NM_178138.6(LHX3):c.252-52_261del

Gene: LHX3 (LIM homeobox 3; minus strand). Cytogenetic location: 9q34.3.
Variant type: Deletion.
Coding change: c.252-52_261del on transcript NM_178138.6 (MANE Select); 52 bases into the intron before coding-DNA position 252 through coding-DNA position 261, 62 bases deleted.
Molecular consequence: splice acceptor variant.
Genome position (GRCh38, 1-based): chr9:136,199,871-136,199,932, 62 bases deleted. GRCh37 (hg19): chr9:139,091,722-139,091,783.
Other names: c.267-52_276del (NM_014564.5); c.219-52_228del (NM_001363746.1).
Identifiers: ClinVar variation 2763252 (VCV002763252.3), dbSNP rs2490915887, ClinGen allele CA2697558202.